The following is an entry in ClinVar:

NM_000321.3(RB1):c.2538del (p.Lys847_Ile848insTer)

Gene: RB1 (RB transcriptional corepressor 1; plus strand). Cytogenetic location: 13q14.2.
Variant type: Deletion.
Coding change: c.2538del on transcript NM_000321.3 (MANE Select); coding-DNA position 2538, one base deleted (G; older notation c.2538delG).
Protein change: p.Lys847_Ile848insTer.
Molecular consequence: frameshift variant. On other transcripts: 5 prime UTR variant (1).
Genome position (GRCh38, 1-based): chr13:48,476,718, G deleted. VCF-style (leftmost placement, unchanged base first): chr13-48476717-AG-A. GRCh37 (hg19) VCF-style: chr13-49050853-AG-A.
Other names: c.2538del, p.Lys847_Ile848insTer (NM_001407165.1); c.-13del (NM_001407168.1).
Identifiers: ClinVar variation 3237110 (VCV003237110.1), dbSNP rs2542384259.

ClinVar aggregate classification (germline): Pathogenic (1 of 4 stars; one submission).

Conditions:
Retinoblastoma (RB1). Also called: RETINOBLASTOMA, SOMATIC. Identifiers: Orphanet 790, MedGen C0035335, MeSH D012175, MONDO:0008380, OMIM 180200, HP:0009919. Disease mechanism: loss of function. Inheritance: Both sporadic and heritable forms are tested..

Submission:

Genetic Diagnostic Laboratory, University of Pennsylvania School of Medicine
Classification: Pathogenic for Retinoblastoma. Last evaluated: 2024-05-20. Review status: criteria provided, single submitter. Criteria: ACMG Guidelines, 2015. Collection method: clinical testing. Allele origin: germline. Affected: yes. Observed: 1 variant allele.
Comment: Case and Pedigree Information: BILATERAL CASES:1, UNILATERAL CASES:0, TOTAL CASES:1, PEDIGREES:1. ACMG Codes Applied:PVS1, PM2